The following is an entry in ClinVar:

ClinVar aggregate classification (germline): Uncertain significance (1 of 4 stars; one submission).

Conditions:
Cortical dysplasia-focal epilepsy syndrome (PTHSL1). Also called: Pitt-Hopkins-like syndrome 1. Identifiers: Orphanet 163681, Orphanet 221150, MedGen C2750246, MONDO:0012400, OMIM 610042.

Allele frequency attached by ClinVar (database versions not stated): gnomAD exomes below 0.00001.
gnomAD v4.1: 1 of 1,614,058 alleles (0.000062%); highest among the groups gnomAD compares: Non-Finnish European, 0.000085%; no homozygotes.

Submission:

Labcorp Genetics (formerly Invitae), Labcorp
Classification: Uncertain significance for Cortical dysplasia-focal epilepsy syndrome. Last evaluated: 2022-02-09. Review status: criteria provided, single submitter. Criteria: Invitae Variant Classification Sherloc (09022015). Collection method: clinical testing. Allele origin: germline.
Comment: This sequence change replaces lysine, which is basic and polar, with glutamic acid, which is acidic and polar, at codon 603 of the CNTNAP2 protein (p.Lys603Glu). This variant is not present in population databases (gnomAD no frequency). This variant has not been reported in the literature in individuals affected with CNTNAP2-related conditions. Algorithms developed to predict the effect of missense changes on protein structure and function are either unavailable or do not agree on the potential impact of this missense change (SIFT: "Deleterious"; PolyPhen-2: "Benign"; Align-GVGD: "Class C0"). In summary, the available evidence is currently insufficient to determine the role of this variant in disease. Therefore, it has been classified as a Variant of Uncertain Significance.

NM_014141.6(CNTNAP2):c.1807A>G (p.Lys603Glu)

Gene: CNTNAP2 (contactin associated protein 2; plus strand). Cytogenetic location: 7q35.
Variant type: single nucleotide variant.
Coding change: c.1807A>G on transcript NM_014141.6 (MANE Select); coding-DNA position 1807, A replaced by G.
Protein change: p.Lys603Glu; replaces lysine 603 with glutamic acid.
Molecular consequence: missense variant.
Genome position (GRCh38, 1-based): chr7:147,562,167, A>G. VCF-style: chr7-147562167-A-G. GRCh37 (hg19) VCF-style: chr7-147259259-A-G.
Other names: short protein forms K603E.
Identifiers: ClinVar variation 2095474 (VCV002095474.4), dbSNP rs2535940744, ClinGen allele CA369926569.
Genomic context (GRCh38, chr7:147,562,167, plus strand): 5'-GTGCTTATGTAGGATATTTTGTTTGTTCTAGCTATCTACGAGCCTTCCTGTGAAGCCTAC[A>G]AACACCTAGGACAGACATCAAATTATTACTGGATAGATCCTGATGGCAGCGGACCTCTGG-3'
Protein context (NP_054860.1, residues 593-613): SIYEPSCEAY[Lys603Glu]HLGQTSNYYW